The following is an entry in ClinVar:

NM_004006.3(DMD):c.853G>A (p.Gly285Arg)

Gene: DMD (dystrophin; minus strand). Cytogenetic location: Xp21.1.
Variant type: single nucleotide variant.
Coding change: c.853G>A on transcript NM_004006.3 (MANE Select); coding-DNA position 853, G replaced by A.
Protein change: p.Gly285Arg; replaces glycine 285 with arginine.
Molecular consequence: missense variant.
Genome position (GRCh38, 1-based): chrX:32,697,977, C>T on the plus strand (G>A on the coding strand, the complement: DMD is on the minus strand). VCF-style: chrX-32697977-C-T. GRCh37 (hg19) VCF-style: chrX-32716094-C-T.
Other names: c.829G>A, p.Gly277Arg (NM_000109.4); c.841G>A, p.Gly281Arg (NM_004009.3); c.484G>A, p.Gly162Arg (NM_004010.3); short protein forms G162R, G277R, G281R, G285R.
Identifiers: ClinVar variation 4869854 (VCV004869854.1).

ClinVar aggregate classification (germline): Uncertain significance (1 of 4 stars; one submission).

Conditions:
Cardiovascular phenotype. Identifiers: MedGen CN230736.

gnomAD v4.1: 1 of 1,196,232 alleles (0.000084%); highest among the groups gnomAD compares: Non-Finnish European, 0.00011%; no homozygotes.

Submission:

Ambry Genetics
Classification: Uncertain significance for Cardiovascular phenotype. Last evaluated: 2026-03-18. Review status: criteria provided, single submitter. Criteria: Ambry Variant Classification Scheme 2023. Collection method: clinical testing. Allele origin: germline.
Comment: The p.G285R variant (also known as c.853G>A), located in coding exon 9 of the DMD gene, results from a G to A substitution at nucleotide position 853. The glycine at codon 285 is replaced by arginine, an amino acid with dissimilar properties. This variant was detected in a cohort of individuals with features consistent with Becker or Duchenne muscular dystrophy; however, clinicial details were limited (Torella A et al. J Mol Diagn, 2010 Jan;12:65-73). This amino acid position is well conserved in available vertebrate species. In addition, this alteration is predicted to be tolerated by in silico analysis. Based on the available evidence, the clinical significance of this variant remains unclear.

Literature cited by the submitters: PubMed 19959795.